The following is an entry in ClinVar:

ClinVar aggregate classification (germline): Uncertain significance (1 of 4 stars; one submission).

Conditions:
Hypertrophic cardiomyopathy 26. Also called: Cardiomyopathy, familial hypertrophic, 26. Identifiers: Orphanet 75249, MedGen C4310749, MONDO:0014883, OMIM 617047.
Myofibrillar myopathy 5. Also called: Filaminopathy (type); FILAMINOPATHY, AUTOSOMAL DOMINANT. Identifiers: Orphanet 171445, MedGen C1836050, MONDO:0012289, OMIM 609524.
Distal myopathy with posterior leg and anterior hand involvement. Also called: WILLIAMS DISTAL MYOPATHY. Identifiers: Orphanet 63273, MedGen C3279722, MONDO:0013550, OMIM 614065.

Submission:

Labcorp Genetics (formerly Invitae), Labcorp
Classification: Uncertain significance for Distal myopathy with posterior leg and anterior hand involvement; Myofibrillar myopathy 5; Hypertrophic cardiomyopathy 26. Last evaluated: 2023-06-25. Review status: criteria provided, single submitter. Criteria: Invitae Variant Classification Sherloc (09022015). Collection method: clinical testing. Allele origin: germline.
Comment: In summary, the available evidence is currently insufficient to determine the role of this variant in disease. Therefore, it has been classified as a Variant of Uncertain Significance. Advanced modeling of protein sequence and biophysical properties (such as structural, functional, and spatial information, amino acid conservation, physicochemical variation, residue mobility, and thermodynamic stability) has been performed at Invitae for this missense variant, however the output from this modeling did not meet the statistical confidence thresholds required to predict the impact of this variant on FLNC protein function. This variant has not been reported in the literature in individuals affected with FLNC-related conditions. This variant is not present in population databases (gnomAD no frequency). This sequence change replaces glycine, which is neutral and non-polar, with aspartic acid, which is acidic and polar, at codon 2518 of the FLNC protein (p.Gly2518Asp).

NM_001458.5(FLNC):c.7553G>A (p.Gly2518Asp)

Genes: FLNC (filamin C; plus strand), FLNC-AS1 (FLNC antisense RNA 1; minus strand). Cytogenetic location: 7q32.1.
Variant type: single nucleotide variant.
Coding change: c.7553G>A on transcript NM_001458.5 (MANE Select); coding-DNA position 7553, G replaced by A.
Protein change: p.Gly2518Asp; replaces glycine 2518 with aspartic acid.
Molecular consequence: missense variant.
Genome position (GRCh38, 1-based): chr7:128,856,913, G>A. VCF-style: chr7-128856913-G-A. GRCh37 (hg19) VCF-style: chr7-128496967-G-A.
Other names: c.7454G>A, p.Gly2485Asp (NM_001127487.2); short protein forms G2485D, G2518D.
Identifiers: ClinVar variation 2949322 (VCV002949322.3), dbSNP rs2536670621, ClinGen allele CA369218983.